The following is an entry in ClinVar:

NM_000535.7(PMS2):c.1014_1015delinsTT (p.Asp339Tyr)

Gene: PMS2 (PMS1 homolog 2, mismatch repair system component; minus strand). Cytogenetic location: 7p22.1.
Variant type: Indel.
Coding change: c.1014_1015delinsTT on transcript NM_000535.7 (MANE Select); coding-DNA positions 1014 to 1015, AG replaced by TT.
Protein change: p.Asp339Tyr; replaces aspartic acid 339 with tyrosine.
Molecular consequence: missense variant. On other transcripts: non-coding transcript variant (1), intron variant (2).
Genome position (GRCh38, 1-based): chr7:5,989,929-5,989,930, CT replaced by AA on the plus strand (AG replaced by TT on the coding strand, the reverse complement: PMS2 is on the minus strand). VCF-style: chr7-5989929-CT-AA. GRCh37 (hg19) VCF-style: chr7-6029560-CT-AA.
Other names: c.609_610delinsTT, p.Asp204Tyr (NM_001322003.2, NM_001322004.2, NM_001322005.2 and 1 more transcripts); c.696_697delinsTT, p.Asp233Tyr (NM_001322007.2, NM_001322008.2); c.81_82delinsTT, p.Asp28Tyr (NM_001322011.2, NM_001322012.2); c.441_442delinsTT, p.Asp148Tyr (NM_001322013.2); c.1014_1015delinsTT, p.Asp339Tyr (NM_001322014.2); c.705_706delinsTT, p.Asp236Tyr (NM_001322015.2); c.583+2043_583+2044delinsTT (NM_001322010.2); c.988+2043_988+2044delinsTT (NM_001322006.2); short protein forms D233Y, D204Y, D28Y, D339Y, D148Y, D236Y.
Identifiers: ClinVar variation 1394553 (VCV001394553.8), dbSNP rs2128748680, ClinGen allele CA2573141980.

ClinVar aggregate classification (germline): Uncertain significance (1 of 4 stars; one submission).

Conditions:
Hereditary nonpolyposis colorectal neoplasms. Identifiers: MedGen C0009405, MeSH D003123.

Submission:

Labcorp Genetics (formerly Invitae), Labcorp
Classification: Uncertain significance for Hereditary nonpolyposis colorectal neoplasms. Last evaluated: 2022-04-23. Review status: criteria provided, single submitter. Criteria: Invitae Variant Classification Sherloc (09022015). Collection method: clinical testing. Allele origin: germline.
Comment: Information on the frequency of this variant in the gnomAD database is not available, as this variant may be reported differently in the database. This sequence change replaces aspartic acid, which is acidic and polar, with tyrosine, which is neutral and polar, at codon 339 of the PMS2 protein (p.Asp339Tyr). This variant has not been reported in the literature in individuals affected with PMS2-related conditions. In summary, the available evidence is currently insufficient to determine the role of this variant in disease. Therefore, it has been classified as a Variant of Uncertain Significance. Experimental studies and prediction algorithms are not available or were not evaluated, and the functional significance of this variant is currently unknown.